The following is an entry in ClinVar:

NM_001009944.3(PKD1):c.5552_5553del (p.His1851fs)

Gene: PKD1 (polycystin 1, transient receptor potential channel interacting; minus strand). Cytogenetic location: 16p13.3.
Variant type: Deletion.
Coding change: c.5552_5553del on transcript NM_001009944.3 (MANE Select); coding-DNA positions 5552 to 5553, 2 bases deleted (AT; older notation c.5552_5553delAT).
Protein change: p.His1851fs; shifts the reading frame from histidine 1851.
Molecular consequence: frameshift variant.
Genome position (GRCh38, 1-based): chr16:2,109,614-2,109,615, AT deleted on the plus strand (AT on the coding strand, the reverse complement: PKD1 is on the minus strand). VCF-style (leftmost placement, unchanged base first): chr16-2109613-CAT-C. GRCh37 (hg19) VCF-style: chr16-2159614-CAT-C.
Other names: c.5552_5553del, p.His1851fs (NM_000296.4); c.5552_5553delAT (NM_001009944.3); short protein forms H1851fs.
Identifiers: ClinVar variation 618815 (VCV000618815.12), dbSNP rs1567196314, ClinGen allele CA913191174.

ClinVar aggregate classification (germline): Pathogenic. Review status: criteria provided, multiple submitters, no conflicts (2 of 4 stars). 4 submissions from 4 submitters: Pathogenic (4). Last evaluated 2026-03-02.

Conditions:
Polycystic kidney disease, adult type (PKD1). Also called: POLYCYSTIC KIDNEY DISEASE 1 WITH OR WITHOUT POLYCYSTIC LIVER DISEASE; Polycystic Kidney, Autosomal Dominant; Polycystic Kidney Disease 1, Autosomal Dominant; Polycystic kidney disease 1; Polycystic kidney disease 1, severe; POLYCYSTIC KIDNEY DISEASE, ADULT, TYPE I. Identifiers: MedGen C3149841, MONDO:0008263, OMIM 173900.

Submissions (4):

Women's Health and Genetics/Laboratory Corporation of America, LabCorp
Classification: Pathogenic for Polycystic kidney disease, adult type. Last evaluated: 2026-03-02. Review status: criteria provided, single submitter. Criteria: LabCorp Variant Classification Summary - May 2015. Collection method: clinical testing. Allele origin: germline.
Comment: Variant summary: PKD1 c.5552_5553delAT (p.His1851ArgfsX138) results in a premature termination codon, predicted to cause a truncation of the encoded protein or absence of the protein due to nonsense mediated decay, which are commonly known mechanisms for disease. The variant was absent in 235692 control chromosomes. To our knowledge, no occurrence of c.5552_5553delAT in individuals affected with PKD1-related conditions and no experimental evidence demonstrating its impact on protein function have been reported. ClinVar contains an entry for this variant (Variation ID: 618815). Based on the evidence outlined above, the variant was classified as pathogenic.

Department of Pathology and Laboratory Medicine, Sinai Health System
Classification: Pathogenic for Polycystic kidney disease, adult type. Last evaluated: 2024-10-02. Review status: criteria provided, single submitter. Criteria: ACMG Guidelines, 2015. Collection method: clinical testing. Allele origin: germline.

Fulgent Genetics
Classification: Pathogenic for Polycystic kidney disease, adult type. Last evaluated: 2023-12-20. Review status: criteria provided, single submitter. Criteria: ACMG Guidelines, 2015. Collection method: clinical testing. Allele origin: germline.

ARUP Laboratories, Molecular Genetics and Genomics, ARUP Laboratories
Classification: Pathogenic. Last evaluated: 2017-09-10. Review status: criteria provided, single submitter. Criteria: ARUP Molecular Germline Variant Investigation Process. Collection method: clinical testing. Allele origin: germline.
Comment: The PKD1 c.5552_5553delAT, p.His1851fs variant has not been reported in the medical literature, but is listed as definitely pathogenic in the Mayo ADPKD variant database (see link). It is not observed in the general population databases, such as the 1000 Genomes Project, Exome Variant Server, and Genome Aggregation Database. The variant introduces a frameshift, and is predicted to result in a truncated protein or an absent transcript. Based on the above information, the variant is classified as pathogenic. References: Mayo ADPKD variant database